The following is an entry in ClinVar:

NM_020822.3(KCNT1):c.199C>T (p.Arg67Cys)

Gene: KCNT1 (potassium sodium-activated channel subfamily T member 1; plus strand). Cytogenetic location: 9q34.3.
Variant type: single nucleotide variant.
Coding change: c.199C>T on transcript NM_020822.3 (MANE Select); coding-DNA position 199, C replaced by T.
Protein change: p.Arg67Cys; replaces arginine 67 with cysteine.
Molecular consequence: missense variant. On other transcripts: intron variant (1).
Genome position (GRCh38, 1-based): chr9:135,714,665, C>T. VCF-style: chr9-135714665-C-T. GRCh37 (hg19) VCF-style: chr9-138606511-C-T.
Other names: c.110+12297C>T (NM_001272003.2); short protein forms R67C.
Identifiers: ClinVar variation 412319 (VCV000412319.9), dbSNP rs1060503698, ClinGen allele CA16612539.

ClinVar aggregate classification (germline): Uncertain significance (1 of 4 stars; one submission).

Conditions:
Developmental and epileptic encephalopathy, 14 (DEE14). Also called: Early infantile epileptic encephalopathy 14. Identifiers: Orphanet 293181, MedGen C3554195, MONDO:0013989, OMIM 614959.
Autosomal dominant nocturnal frontal lobe epilepsy 5. Also called: CILIARY DYSKINESIA, PRIMARY, 28, WITH SITUS INVERSUS; Epilepsy, nocturnal frontal lobe, 5; CILIARY DYSKINESIA, PRIMARY, 28, WITHOUT SITUS INVERSUS; KCNT1-Related Epilepsy. Identifiers: Orphanet 98784, MedGen C3554306, MONDO:0014002, OMIM 615005.

gnomAD v4.1: 3 of 1,486,326 alleles (0.0002%); highest among the groups gnomAD compares: Non-Finnish European, 0.00027%; no homozygotes.

Submission:

Labcorp Genetics (formerly Invitae), Labcorp
Classification: Uncertain significance for Autosomal dominant nocturnal frontal lobe epilepsy 5; Developmental and epileptic encephalopathy, 14. Last evaluated: 2021-03-08. Review status: criteria provided, single submitter. Criteria: Invitae Variant Classification Sherloc (09022015). Collection method: clinical testing. Allele origin: germline.
Comment: Algorithms developed to predict the effect of missense changes on protein structure and function do not agree on the potential impact of this missense change (SIFT: "Tolerated"; PolyPhen-2: "Probably Damaging"; Align-GVGD: "Class C0"). This sequence change replaces arginine with cysteine at codon 67 of the KCNT1 protein (p.Arg67Cys). The arginine residue is weakly conserved and there is a large physicochemical difference between arginine and cysteine. This variant is not present in population databases (ExAC no frequency) and has not been reported in the literature in individuals with a KCNT1-related disease. In summary, this variant is a novel missense change with uncertain impact on protein function. It has been classified as a Variant of Uncertain Significance.